The following is an entry in ClinVar:

NM_016156.6(MTMR2):c.208T>G (p.Leu70Val)

Gene: MTMR2 (myotubularin related protein 2; minus strand). Cytogenetic location: 11q21.
Variant type: single nucleotide variant.
Coding change: c.208T>G on transcript NM_016156.6 (MANE Select); coding-DNA position 208, T replaced by G.
Protein change: p.Leu70Val; replaces leucine 70 with valine.
Molecular consequence: missense variant. On other transcripts: 5 prime UTR variant (16).
Genome position (GRCh38, 1-based): chr11:95,865,655, A>C on the plus strand (T>G on the coding strand, the complement: MTMR2 is on the minus strand). VCF-style: chr11-95865655-A-C. GRCh37 (hg19) VCF-style: chr11-95598819-A-C.
Other names: c.-9T>G (NM_001243571.2, NM_001440630.1, NM_001440631.1 and 12 more transcripts); c.-302T>G (NM_001440642.1); c.208T>G, p.Leu70Val (NM_001440647.1, NM_001440648.1, NM_001440649.1 and 2 more transcripts); short protein forms L70V.
Identifiers: ClinVar variation 4847243 (VCV004847243.1).

ClinVar aggregate classification (germline): Uncertain significance (1 of 4 stars; one submission).

Submission:

Women's Health and Genetics/Laboratory Corporation of America, LabCorp
Classification: Uncertain significance. Last evaluated: 2026-03-13. Review status: criteria provided, single submitter. Criteria: LabCorp Variant Classification Summary - May 2015. Collection method: clinical testing. Allele origin: germline.
Comment: Variant summary: MTMR2 c.208T>G (p.Leu70Val) results in a conservative amino acid change in the encoded protein sequence. Algorithms developed to predict the effect of missense changes on protein structure and function are either unavailable or do not agree on the potential impact of this missense change. The variant was absent in 251120 control chromosomes. The available data on variant occurrences in the general population are insufficient to allow any conclusion about variant significance. To our knowledge, no occurrence of c.208T>G in individuals affected with MTMR2-related conditions and no experimental evidence demonstrating its impact on protein function have been reported. No submitters have cited clinical-significance assessments for this variant to ClinVar. Based on the evidence outlined above, the variant was classified as uncertain significance.